The following is an entry in ClinVar:

ClinVar aggregate classification (germline): Uncertain significance (1 of 4 stars; one submission).

Submission:

Laboratory for Molecular Medicine, Mass General Brigham Personalized Medicine
Classification: Uncertain significance. Last evaluated: 2012-02-29. Review status: criteria provided, single submitter. Criteria: LMM Criteria. Collection method: clinical testing. Allele origin: germline. Observed: 1 variant allele.
Comment: The Met3739Ile variant (RYR2) has not been reported in the literature nor previo usly identified by our laboratory. Methionine (Met) at position 3739 is highly c onserved in mammals and across evolutionarily distant species, though computatio nal analyses (biochemical amino acid properties, AlignGVGD, and SIFT) do not pro vide strong support for or against an impact to the protein. Additional informat ion is needed to fully assess the clinical significance of the Met3739Ile varian t.

NM_001035.3(RYR2):c.11217G>T (p.Met3739Ile)

Gene: RYR2 (ryanodine receptor 2; plus strand). Cytogenetic location: 1q43.
Variant type: single nucleotide variant.
Coding change: c.11217G>T on transcript NM_001035.3 (MANE Select); coding-DNA position 11217, G replaced by T.
Protein change: p.Met3739Ile; replaces methionine 3739 with isoleucine.
Molecular consequence: missense variant.
Genome position (GRCh38, 1-based): chr1:237,756,359, G>T. VCF-style: chr1-237756359-G-T. GRCh37 (hg19) VCF-style: chr1-237919659-G-T.
Other names: short protein forms M3739I.
Identifiers: ClinVar variation 43706 (VCV000043706.5), dbSNP rs397516502, ClinGen allele CA006914.